The following is an entry in ClinVar:

NM_013254.4(TBK1):c.1694A>C (p.Gln565Pro)

Gene: TBK1 (TANK binding kinase 1; plus strand). Cytogenetic location: 12q14.2.
Variant type: single nucleotide variant.
Coding change: c.1694A>C on transcript NM_013254.4 (MANE Select); coding-DNA position 1694, A replaced by C.
Protein change: p.Gln565Pro; replaces glutamine 565 with proline.
Molecular consequence: missense variant.
Genome position (GRCh38, 1-based): chr12:64,495,749, A>C. VCF-style: chr12-64495749-A-C. GRCh37 (hg19) VCF-style: chr12-64889529-A-C.
Other names: c.1694A>C (NM_013254.3); short protein forms Q565P.
Identifiers: ClinVar variation 4709988 (VCV004709988.3).
Genomic context (GRCh38, chr12:64,495,749, plus strand): 5'-CCTTAAATAGTGTAGAAAAACTACAAGTCCTGTTAAATTGCATGACAGAGATTTACTATC[A>C]GTTCAAAAAAGACAAAGCAGAACGTAGTAAGTAAAATTTGCTATTTGTTAATTTAATAAA-3'
Protein context (NP_037386.1, residues 555-575): LLNCMTEIYY[Gln565Pro]FKKDKAERRL

ClinVar aggregate classification (germline): Conflicting classifications of pathogenicity. Review status: criteria provided, conflicting classifications (1 of 4 stars). 3 submissions from 3 submitters: Likely pathogenic (2); Uncertain significance (1). Last evaluated 2026-03-06.

Conditions:
Frontotemporal dementia and/or amyotrophic lateral sclerosis 4. Also called: FTDALS4. Identifiers: Orphanet 275872, MedGen C4225325, MONDO:0014641, OMIM 616439.
TBK1-related disorder. Also called: TBK1-related condition.

gnomAD v4.1: 38 of 1,599,536 alleles (0.0024%); highest among the groups gnomAD compares: Non-Finnish European, 0.0031%; no homozygotes.

Submissions (3):

Women's Health and Genetics/Laboratory Corporation of America, LabCorp
Classification: Likely pathogenic for Frontotemporal dementia and/or amyotrophic lateral sclerosis 4. Last evaluated: 2026-03-06. Review status: criteria provided, single submitter. Criteria: LabCorp Variant Classification Summary - May 2015. Collection method: clinical testing. Allele origin: germline.
Comment: Variant summary: TBK1 c.1694A>C (p.Gln565Pro) results in a non-conservative amino acid change in the encoded protein sequence. Algorithms developed to predict the effect of missense changes on protein structure and function are either unavailable or do not agree on the potential impact of this missense change. The variant allele was found at a frequency of 4.3e-06 in 230240 control chromosomes (gnomAD). c.1694A>C has been observed in at-least two individuals affected with amyotrophic lateral sclerosis (examples, Cirulli_2015, Weinreich_2019, deMajo_2018). These data indicate that the variant may be associated with disease. At least one publication reports experimental evidence evaluating an impact on protein function. The most pronounced variant effect results in abolished protein dimerization, significantly reduced P62 kinase activity and abolished WT TBK1 association (Ye_2019). The following publications have been ascertained in the context of this evaluation (PMID: 25700176, 31498468, 31748271, 30033073). ClinVar contains an entry for this variant (Variation ID: 4709988). Based on the evidence outlined above, the variant was classified as likely pathogenic.

Labcorp Genetics (formerly Invitae), Labcorp
Classification: Likely pathogenic for Frontotemporal dementia and/or amyotrophic lateral sclerosis 4. Last evaluated: 2025-12-15. Review status: criteria provided, single submitter. Criteria: Invitae Variant Classification Sherloc (09022015). Collection method: clinical testing. Allele origin: germline.
Comment: This sequence change replaces glutamine, which is neutral and polar, with proline, which is neutral and non-polar, at codon 565 of the TBK1 protein (p.Gln565Pro). This variant is present in population databases (no rsID available, gnomAD 0.001%). This missense change has been observed in individuals with amyotrophic lateral sclerosis (PMID: 30033073, 31498468; internal data). Invitae Evidence Modeling of protein sequence and biophysical properties (such as structural, functional, and spatial information, amino acid conservation, physicochemical variation, residue mobility, and thermodynamic stability) indicates that this missense variant is not expected to disrupt TBK1 protein function with a negative predictive value of 95%. Experimental studies have shown that this missense change affects TBK1 function (PMID: 31748271). In summary, the currently available evidence indicates that the variant is pathogenic, but additional data are needed to prove that conclusively. Therefore, this variant has been classified as Likely Pathogenic.

PreventionGenetics, part of Exact Sciences
Classification: Uncertain significance for TBK1-related condition. Last evaluated: 2025-07-02. Review status: criteria provided, single submitter. Criteria: ACMG Guidelines, 2015. Collection method: clinical testing. Allele origin: germline.
Comment: The TBK1 c.1694A>C variant is predicted to result in the amino acid substitution p.Gln565Pro. This variant has been reported in an individual with amyotrophic lateral sclerosis (Table 1, De Majo et al. 2018. PubMed ID: 30033073). Structural modeling analysis of this variant predicted an alteration to protein dimerization (Supplementary Figure 2, Weinreich et al. 2019. PubMed ID: 31498468). Functional studies showed that this variant diminished protein dimerization, lowered reporter activity, and slightly altered the kinase activity (Ye et al. 2019. PubMed ID: 31748271). This variant is reported in 0.00096% of alleles in individuals of European (non-Finnish) descent in gnomAD. At this time, the clinical significance of this variant is uncertain due to the absence of conclusive functional and genetic evidence.

Literature cited by the submitters: PubMed 25700176 (cited by Women's Health and Genetics/Laboratory Corporation of America, LabCorp); PubMed 31748271 (cited by Women's Health and Genetics/Laboratory Corporation of America, LabCorp and Labcorp Genetics (formerly Invitae), Labcorp); PubMed 31498468 (cited by Women's Health and Genetics/Laboratory Corporation of America, LabCorp and Labcorp Genetics (formerly Invitae), Labcorp); PubMed 30033073 (cited by Women's Health and Genetics/Laboratory Corporation of America, LabCorp and Labcorp Genetics (formerly Invitae), Labcorp).